The following is an entry in ClinVar:

ClinVar aggregate classification (germline): Uncertain significance (1 of 4 stars; one submission).

Conditions:
Immunodeficiency 77. Identifiers: MedGen C5543173, MONDO:0030973, OMIM 619223.

gnomAD v4.1: 1 of 1,614,216 alleles (0.000062%); highest among the groups gnomAD compares: Non-Finnish European, 0.000085%; no homozygotes.

Submission:

Laboratorio de Genetica e Diagnostico Molecular, Hospital Israelita Albert Einstein
Classification: Uncertain significance for Immunodeficiency 77. Last evaluated: 2025-05-25. Review status: criteria provided, single submitter. Criteria: ACMG Guidelines, 2015. Collection method: clinical testing. Allele origin: germline. Affected: yes.
Comment: ACMG classification criteria: PM2 supporting, BP4 supporting

NM_001039396.2(MPEG1):c.1940G>C (p.Gly647Ala)

Gene: MPEG1 (macrophage expressed 1; minus strand). Cytogenetic location: 11q12.1.
Variant type: single nucleotide variant.
Coding change: c.1940G>C on transcript NM_001039396.2 (MANE Select); coding-DNA position 1940, G replaced by C.
Protein change: p.Gly647Ala; replaces glycine 647 with alanine.
Molecular consequence: missense variant.
Genome position (GRCh38, 1-based): chr11:59,210,926, C>G on the plus strand (G>C on the coding strand, the complement: MPEG1 is on the minus strand). VCF-style: chr11-59210926-C-G. GRCh37 (hg19) VCF-style: chr11-58978399-C-G.
Other names: short protein forms G647A.
Identifiers: ClinVar variation 4056623 (VCV004056623.1).
Genomic context (GRCh38, chr11:59,210,926, plus strand): 5'-ATGGTGGTGACCCCCACTGTGACCCCAGCTGCAGCCCCTCCTGACAGACCACCACCATCC[C>G]CATGGATGACATTCATGGCCCTCCGCAGCTCTATCGGTTCTCCCAGCCTCCACTGGTGGG-3'
Protein context (NP_001034485.1, residues 637-657): ELRRAMNVIH[Gly647Ala]DGGGLSGGAA